The following is an entry in ClinVar:

NM_001368397.1(FRMPD4):c.3964+7C>G

Gene: FRMPD4 (FERM and PDZ domain containing 4; plus strand). Cytogenetic location: Xp22.2.
Variant type: single nucleotide variant.
Coding change: c.3964+7C>G on transcript NM_001368397.1 (MANE Select); 7 bases into the intron after coding-DNA position 3964, C replaced by G.
Molecular consequence: intron variant.
Genome position (GRCh38, 1-based): chrX:12,718,797, C>G. VCF-style: chrX-12718797-C-G. GRCh37 (hg19) VCF-style: chrX-12736916-C-G.
Other names: c.4075+7C>G (NM_001368398.3, NM_001368395.3); c.3940+7C>G (NM_001368402.3, NM_001368401.1); c.3844+7C>G (NM_001368400.3); c.3955+7C>G (NM_001368399.3); c.3964+7C>G (NM_014728.3); c.3970+7C>G (NM_001368396.3).
Identifiers: ClinVar variation 4875309 (VCV004875309.2).

ClinVar aggregate classification (germline): Uncertain significance (1 of 4 stars; one submission).

Submission:

CeGaT Center for Human Genetics Tuebingen
Classification: Uncertain significance. Last evaluated: 2026-06-01. Review status: criteria provided, single submitter. Criteria: CeGaT Center For Human Genetics Tuebingen Variant Classification Criteria Version 2. Collection method: clinical testing. Allele origin: germline. Affected: yes. Observed: 1 variant allele.
Comment: FRMPD4: PM2, BP4